The following is an entry in ClinVar:

NM_000038.6(APC):c.2686_2689dup (p.Ile897fs)

Gene: APC (APC regulator of Wnt signaling pathway; plus strand). Cytogenetic location: 5q22.2.
Variant type: Duplication.
Coding change: c.2686_2689dup on transcript NM_000038.6 (MANE Select); coding-DNA positions 2686 to 2689, 4 bases duplicated (GCCA; older notation c.2686_2689dupGCCA).
Protein change: p.Ile897fs; shifts the reading frame from isoleucine 897.
Molecular consequence: frameshift variant.
Genome position (GRCh38, 1-based): chr5:112,838,280-112,838,283, GCCA duplicated; duplicating any 4 consecutive bases within chr5:112,838,278-112,838,283 gives the same sequence; the c. name uses the placement nearest the transcript's 3' end. VCF-style (leftmost placement, unchanged base first): chr5-112838277-T-TCAGC. GRCh37 (hg19) VCF-style: chr5-112173974-T-TCAGC.
Other names: c.2740_2743dup, p.Ile915fs (NM_001354896.2); c.2716_2719dup, p.Ile907fs (NM_001354897.2); c.2611_2614dup, p.Ile872fs (NM_001354898.2); c.2602_2605dup, p.Ile869fs (NM_001354899.2); c.2563_2566dup, p.Ile856fs (NM_001354900.2); c.2509_2512dup, p.Ile838fs (NM_001354901.2); c.2413_2416dup, p.Ile806fs (NM_001354902.2); c.2383_2386dup, p.Ile796fs (NM_001354903.2); and 6 more; short protein forms I614fs, I771fs, I872fs, I915fs, I879fs, I897fs, I737fs, I806fs.
Identifiers: ClinVar variation 469766 (VCV000469766.11), dbSNP rs1554084375, ClinGen allele CA645562853.
Genomic context (GRCh38, chr5:112,838,277, plus strand): 5'-AAGCGAGGTTTGCAGATCTCCACCACTGCAGCCCAGATTGCCAAAGTCATGGAAGAAGTG[T>TCAGC]CAGCCATTCATACCTCTCAGGAAGACAGAAGTTCTGGGTCTACCACTGAATTACATTGTG-3'

ClinVar aggregate classification (germline): Pathogenic. Review status: criteria provided, multiple submitters, no conflicts (2 of 4 stars). 2 submissions from 2 submitters: Pathogenic (2). Last evaluated 2023-05-05.

Conditions:
Familial adenomatous polyposis 1 (FAP1). Also called: POLYPOSIS, ADENOMATOUS INTESTINAL; FAMILIAL ADENOMATOUS POLYPOSIS 1, ATTENUATED. Identifiers: MedGen C2713442, MONDO:0021056, OMIM 175100. Disease mechanism: loss of function.

Submissions (2):

Myriad Genetics, Inc.
Classification: Pathogenic for Familial adenomatous polyposis 1. Last evaluated: 2023-05-05. Review status: criteria provided, single submitter. Criteria: Myriad Autosomal Dominant, Autosomal Recessive and X-Linked Classification Criteria (2023). Collection method: clinical testing. Allele origin: unknown.
Comment: This variant is considered pathogenic. This variant creates a frameshift predicted to result in premature protein truncation.

Labcorp Genetics (formerly Invitae), Labcorp
Classification: Pathogenic for Familial adenomatous polyposis 1. Last evaluated: 2021-07-23. Review status: criteria provided, single submitter. Criteria: Invitae Variant Classification Sherloc (09022015). Collection method: clinical testing. Allele origin: germline.
Comment: For these reasons, this variant has been classified as Pathogenic. While this particular variant has not been reported in the literature, loss-of-function variants in APC are known to be pathogenic (PMID: 20685668, 17963004). This sequence change inserts 4 nucleotides in exon 16 of the APC mRNA (c.2686_2689dupGCCA), causing a frameshift at codon 897. This creates a premature translational stop signal in the last exon of the APC mRNA (p.Ile897Serfs*16). While this is not anticipated to result in nonsense mediated decay, it is expected to disrupt the last 1947 amino acids (~68%) of the APC protein.

Literature cited by the submitters: PubMed 20685668 (cited by Labcorp Genetics (formerly Invitae), Labcorp); PubMed 17963004 (cited by Labcorp Genetics (formerly Invitae), Labcorp).